The following is an entry in ClinVar:

NM_000465.4(BARD1):c.696A>G (p.Lys232=)

Gene: BARD1 (BRCA1 associated RING domain 1; minus strand). Cytogenetic location: 2q35.
Variant type: single nucleotide variant.
Coding change: c.696A>G on transcript NM_000465.4 (MANE Select); coding-DNA position 696, A replaced by G.
Protein change: p.Lys232=; no amino-acid change (lysine 232 retained).
Molecular consequence: synonymous variant. On other transcripts: non-coding transcript variant (2), intron variant (3).
Genome position (GRCh38, 1-based): chr2:214,781,178, T>C on the plus strand (A>G on the coding strand, the complement: BARD1 is on the minus strand). VCF-style: chr2-214781178-T-C. GRCh37 (hg19) VCF-style: chr2-215645902-T-C.
Other names: c.639A>G, p.Lys213= (NM_001282543.2); c.158+28234A>G (NM_001282548.2); c.215+15883A>G (NM_001282545.2); c.364+11119A>G (NM_001282549.2).
Identifiers: ClinVar variation 3378593 (VCV003378593.3).
Genomic context (GRCh38, chr2:214,781,178, plus strand): 5'-AGGACTGGAGATAACAGATGGTTGGCTACAGAAGGATACCAGCTTTTGCTTAGATTCCTC[T>C]TTGGAGTCAAATTCACCATCTTCTTTTTCTGCCTCTAAATTCCATTTTTGGTTGATTTCA-3'
Protein context (NP_000456.2, residues 222-242): AEKEDGEFDS[Lys232=]EESKQKLVSF

ClinVar aggregate classification (germline): Benign/Likely benign. Review status: criteria provided, multiple submitters, no conflicts (2 of 4 stars). 2 submissions from 2 submitters: Benign (1); Likely benign (1). Last evaluated 2024-12-11.

Conditions:
Familial cancer of breast. Also called: hereditary breast carcinoma; Hereditary breast cancer; BREAST CANCER, FAMILIAL. Identifiers: Orphanet 227535, MedGen C0346153, MONDO:0016419, OMIM 114480. Disease mechanism: loss of function.

Submissions (2):

Labcorp Genetics (formerly Invitae), Labcorp
Classification: Likely benign for Familial cancer of breast. Last evaluated: 2024-12-11. Review status: criteria provided, single submitter. Criteria: Invitae Variant Classification Sherloc (09022015). Collection method: clinical testing. Allele origin: germline.

Myriad Genetics, Inc.
Classification: Benign for Familial cancer of breast. Last evaluated: 2024-07-22. Review status: criteria provided, single submitter. Criteria: Myriad Autosomal Dominant, Autosomal Recessive and X-Linked Classification Criteria (2023). Collection method: clinical testing. Allele origin: unknown.
Comment: This variant is considered benign. This variant is a silent/synonymous amino acid change and it is not expected to impact splicing.